The following is an entry in ClinVar:

NM_000388.4(CASR):c.2272G>A (p.Asp758Asn)

Gene: CASR (calcium sensing receptor; plus strand). Cytogenetic location: 3q21.1.
Variant type: single nucleotide variant.
Coding change: c.2272G>A on transcript NM_000388.4 (MANE Select); coding-DNA position 2272, G replaced by A.
Protein change: p.Asp758Asn; replaces aspartic acid 758 with asparagine.
Molecular consequence: missense variant.
Genome position (GRCh38, 1-based): chr3:122,284,226, G>A. VCF-style: chr3-122284226-G-A. GRCh37 (hg19) VCF-style: chr3-122003073-G-A.
Other names: c.2302G>A, p.Asp768Asn (NM_001178065.2); short protein forms D758N, D768N.
Identifiers: ClinVar variation 1788808 (VCV001788808.5), dbSNP rs1296483005, ClinGen allele CA354159254.

ClinVar aggregate classification (germline): Uncertain significance. Review status: criteria provided, multiple submitters, no conflicts (2 of 4 stars). 2 submissions from 2 submitters: Uncertain significance (2). Last evaluated 2022-11-05.

Conditions:
Familial hypocalciuric hypercalcemia (FHH). Also called: Familial benign hypercalcemia. Identifiers: Orphanet 405, MedGen C1809471, MONDO:0018458.
Autosomal dominant hypocalcemia 1 (HYPOC1). Also called: HYPOCALCEMIA, FAMILIAL. Identifiers: MedGen C3715128, MONDO:0011013, OMIM 601198.
Nephrolithiasis/nephrocalcinosis. Identifiers: MedGen CN580796.

Allele frequency attached by ClinVar (database versions not stated): TOPMed below 0.00001.

Submissions (2):

Labcorp Genetics (formerly Invitae), Labcorp
Classification: Uncertain significance for Familial hypocalciuric hypercalcemia; Autosomal dominant hypocalcemia 1. Last evaluated: 2022-11-05. Review status: criteria provided, single submitter. Criteria: Invitae Variant Classification Sherloc (09022015). Collection method: clinical testing. Allele origin: germline.
Comment: In summary, the available evidence is currently insufficient to determine the role of this variant in disease. Therefore, it has been classified as a Variant of Uncertain Significance. Algorithms developed to predict the effect of missense changes on protein structure and function are either unavailable or do not agree on the potential impact of this missense change (SIFT: "Deleterious"; PolyPhen-2: "Benign"; Align-GVGD: "Class C15"). This variant has not been reported in the literature in individuals affected with CASR-related conditions. This variant is not present in population databases (gnomAD no frequency). This sequence change replaces aspartic acid, which is acidic and polar, with asparagine, which is neutral and polar, at codon 758 of the CASR protein (p.Asp758Asn).

Ambry Genetics
Classification: Uncertain significance for Nephrolithiasis/nephrocalcinosis. Last evaluated: 2021-10-30. Review status: criteria provided, single submitter. Criteria: Ambry Variant Classification Scheme 2023. Collection method: clinical testing. Allele origin: germline.
Comment: The p.D758N variant (also known as c.2272G>A), located in coding exon 6 of the CASR gene, results from a G to A substitution at nucleotide position 2272. The aspartic acid at codon 758 is replaced by asparagine, an amino acid with highly similar properties. This amino acid position is conserved. In addition, this alteration is predicted to be tolerated by in silico analysis. Since supporting evidence is limited at this time, the clinical significance of this alteration remains unclear.